The following is an entry in ClinVar:

NM_001042492.3(NF1):c.6979G>A (p.Glu2327Lys)

Gene: NF1 (neurofibromin 1; plus strand). Cytogenetic location: 17q11.2.
Variant type: single nucleotide variant.
Coding change: c.6979G>A on transcript NM_001042492.3 (MANE Select); coding-DNA position 6979, G replaced by A.
Protein change: p.Glu2327Lys; replaces glutamic acid 2327 with lysine.
Molecular consequence: missense variant.
Genome position (GRCh38, 1-based): chr17:31,340,562, G>A. VCF-style: chr17-31340562-G-A. GRCh37 (hg19) VCF-style: chr17-29667580-G-A.
Other names: c.6916G>A, p.Glu2306Lys (NM_000267.4); short protein forms E2306K, E2327K.
Identifiers: ClinVar variation 1205188 (VCV001205188.3), dbSNP rs2151561691, ClinGen allele CA399014960.
Genomic context (GRCh38, chr17:31,340,562, plus strand): 5'-CAGGACTCGCCTCTGCACAAAGCCCTCTTTTGGGTAGCTGTGGCTGTGCTGCAGCTTGAT[G>A]AGGTCAACTTGTATTCAGCAGGTACCGCACTTCTTGAACAAAACCTGCATACTTTAGATA-3'
Protein context (NP_001035957.1, residues 2317-2337): WVAVAVLQLD[Glu2327Lys]VNLYSAGTAL

ClinVar aggregate classification (germline): Uncertain significance (1 of 4 stars; one submission).

Submission:

GeneDx
Classification: Uncertain significance. Last evaluated: 2019-05-21. Review status: criteria provided, single submitter. Criteria: GeneDx Variant Classification Process June 2021. Collection method: clinical testing. Allele origin: germline. Affected: yes.
Comment: Not observed in large population cohorts (Lek et al., 2016); In silico analysis, which includes protein predictors and evolutionary conservation, supports a deleterious effect; This variant is associated with the following publications: (PMID: 28921573)